The following is an entry in ClinVar:

ClinVar aggregate classification (germline): Benign (0 of 4 stars; one submission).

Conditions:
FSIP2-related disorder. Also called: FSIP2-related condition.

Allele frequency attached by ClinVar (database versions not stated): TOPMed 0.52894; 1000 Genomes Project 30x 0.53592; 1000 Genomes Project 0.53814; ExAC 0.58220.
gnomAD v4.1: 823,643 of 1,533,360 alleles (54%); highest among the groups gnomAD compares: South Asian, 64%; 222,719 homozygotes.

Submission:

PreventionGenetics, part of Exact Sciences
Classification: Benign for FSIP2-related condition. Last evaluated: 2019-10-17. Review status: no assertion criteria provided. Collection method: clinical testing. Allele origin: germline.
Comment: This variant is classified as benign based on ACMG/AMP sequence variant interpretation guidelines (Richards et al. 2015 PMID: 25741868, with internal and published modifications).

NM_173651.4(FSIP2):c.6193G>A (p.Asp2065Asn)

Genes: FSIP2 (fibrous sheath interacting protein 2; plus strand), FSIP2-AS1 (FSIP2 antisense RNA 1; minus strand). Cytogenetic location: 2q32.1.
Variant type: single nucleotide variant.
Coding change: c.6193G>A on transcript NM_173651.4 (MANE Select); coding-DNA position 6193, G replaced by A.
Protein change: p.Asp2065Asn; replaces aspartic acid 2065 with asparagine.
Molecular consequence: missense variant.
Genome position (GRCh38, 1-based): chr2:185,793,329, G>A. VCF-style: chr2-185793329-G-A. GRCh37 (hg19) VCF-style: chr2-186658056-G-A.
Other names: short protein forms D2065N.
Identifiers: ClinVar variation 3059707 (VCV003059707.2), dbSNP rs60029104, ClinGen allele CA2016733.
Genomic context (GRCh38, chr2:185,793,329, plus strand): 5'-TTGTTAGACATTATATCACGTAAAGGCAAATGTGACAAAAACAGTTCTGACAAAGAGATC[G>A]ATTTAGATCAGCAAAAAGGTGTTATTGAAAAGCTGCTCAATGAGACCAAATATCGAAAAG-3'
Protein context (NP_775922.3, residues 2055-2075): CDKNSSDKEI[Asp2065Asn]LDQQKGVIEK